The following is an entry in ClinVar:

ClinVar aggregate classification (germline): Uncertain significance (1 of 4 stars; one submission).

Conditions:
Hereditary cancer-predisposing syndrome. Also called: Neoplastic Syndromes, Hereditary; Tumor predisposition; Hereditary Cancer Syndrome; Hereditary neoplastic syndrome. Identifiers: Orphanet 140162, MedGen C0027672, MeSH D009386, MONDO:0015356.

Submission:

Ambry Genetics
Classification: Uncertain significance for Hereditary cancer-predisposing syndrome. Last evaluated: 2026-09-08. Review status: criteria provided, single submitter. Criteria: Ambry Variant Classification Scheme 2023. Collection method: clinical testing. Allele origin: germline.
Comment: The c.1796T>C variant (also known as p.V599A), located in coding exon 14 of the SDHA gene, results from a T to C substitution at nucleotide position 1796. The valine at codon 599 is replaced by alanine, an amino acid with similar properties. This nucleotide position is not well conserved in available vertebrate species. In silico splice site analysis predicts that this alteration may result in the creation or strengthening of a novel splice acceptor site; however, direct evidence is insufficient at this time (Ambry internal data). In addition, as a missense substitution this is predicted to be tolerated by in silico analysis. Based on the available evidence, the clinical significance of this variant remains unclear.

NM_004168.4(SDHA):c.1796T>C (p.Val599Ala)

Gene: SDHA (succinate dehydrogenase complex flavoprotein subunit A; plus strand). Cytogenetic location: 5p15.33.
Variant type: single nucleotide variant.
Coding change: c.1796T>C on transcript NM_004168.4 (MANE Select); coding-DNA position 1796, T replaced by C.
Protein change: p.Val599Ala; replaces valine 599 with alanine.
Molecular consequence: missense variant.
Genome position (GRCh38, 1-based): chr5:254,394, T>C. VCF-style: chr5-254394-T-C. GRCh37 (hg19) VCF-style: chr5-254509-T-C.
Other names: c.1652T>C, p.Val551Ala (NM_001294332.2); c.1553T>C, p.Val518Ala (NM_001330758.2); short protein forms V518A, V551A, V599A.
Identifiers: ClinVar variation 4864202 (VCV004864202.2).